The following is an entry in ClinVar:

ClinVar aggregate classification (germline): Uncertain significance (1 of 4 stars; one submission).

Submission:

Labcorp Genetics (formerly Invitae), Labcorp
Classification: Uncertain significance. Last evaluated: 2020-04-29. Review status: criteria provided, single submitter. Criteria: Invitae Variant Classification Sherloc (09022015). Collection method: clinical testing. Allele origin: germline.
Comment: This sequence change replaces proline with histidine at codon 135 of the NPHS1 protein (p.Pro135His). The proline residue is highly conserved and there is a moderate physicochemical difference between proline and histidine. This variant is not present in population databases (ExAC no frequency). In summary, the available evidence is currently insufficient to determine the role of this variant in disease. Therefore, it has been classified as a Variant of Uncertain Significance. Algorithms developed to predict the effect of missense changes on protein structure and function are either unavailable or do not agree on the potential impact of this missense change (SIFT: "Deleterious"; PolyPhen-2: "Probably Damaging"; Align-GVGD: "Class C15"). This variant has not been reported in the literature in individuals with NPHS1-related conditions.

NM_004646.4(NPHS1):c.404C>A (p.Pro135His)

Gene: NPHS1 (NPHS1 adhesion molecule, nephrin; minus strand). Cytogenetic location: 19q13.12.
Variant type: single nucleotide variant.
Coding change: c.404C>A on transcript NM_004646.4 (MANE Select); coding-DNA position 404, C replaced by A.
Protein change: p.Pro135His; replaces proline 135 with histidine.
Molecular consequence: missense variant.
Genome position (GRCh38, 1-based): chr19:35,851,083, G>T on the plus strand (C>A on the coding strand, the complement: NPHS1 is on the minus strand). VCF-style: chr19-35851083-G-T. GRCh37 (hg19) VCF-style: chr19-36341985-G-T.
Other names: short protein forms P135H.
Identifiers: ClinVar variation 1059143 (VCV001059143.9), dbSNP rs2146831313, ClinGen allele CA405410348.
Genomic context (GRCh38, chr19:35,851,083, plus strand): 5'-TCCTGCCCAGCTACCCAGGTGACCATGGTGCCTGCCTCTGGGGTCAGCAGGAGCAGCTTG[G>T]GAGGAACTGGTGAGAGAAGGGTCTGGGGTAAGCTTCCAGCACTGAGAAGGACTTGAAGAT-3'
Protein context (NP_004637.1, residues 125-145): PRVILSILVP[Pro135His]KLLLLTPEAG